The following is an entry in ClinVar:

NC_000007.13:g.(?_75611598)_(75614037_?)del

Gene: POR (cytochrome p450 oxidoreductase; plus strand). Cytogenetic location: 7q11.23.
Variant type: Deletion.
Identifiers: ClinVar variation 3245784 (VCV003245784.1).

ClinVar aggregate classification (germline): Pathogenic (1 of 4 stars; one submission).

Conditions:
Congenital adrenal hyperplasia due to cytochrome P450 oxidoreductase deficiency. Also called: DISORDERED STEROIDOGENESIS DUE TO POR DEFICIENCY. Identifiers: Orphanet 95699, MedGen C1860042, MONDO:0013310, OMIM 613571.

Submission:

Labcorp Genetics (formerly Invitae), Labcorp
Classification: Pathogenic for Congenital adrenal hyperplasia due to cytochrome P450 oxidoreductase deficiency. Last evaluated: 2023-12-04. Review status: criteria provided, single submitter. Criteria: Invitae Variant Classification Sherloc (09022015). Collection method: clinical testing. Allele origin: unknown.
Comment: This variant results in the deletion of part of exon 8 and exons 9-10 (c.788_1067-58delins51) of the POR gene. It is expected to disrupt RNA splicing. Variants that disrupt the donor or acceptor splice site typically lead to a loss of protein function (PMID: 16199547), and loss-of-function variants in POR are known to be pathogenic (PMID: 14758361, 20732302, 21741353). This variant has not been reported in the literature in individuals affected with POR-related conditions. This variant disrupts a region of the POR protein in which other variant(s) (p.Ala287Pro) have been determined to be pathogenic (PMID: 14758361, 18551037, 20940534, 21741353, 22162478). This suggests that this is a clinically significant region of the protein, and that variants that disrupt it are likely to be disease-causing. For these reasons, this variant has been classified as Pathogenic.

Literature cited by the submitters: PubMed 16199547; PubMed 14758361; PubMed 20732302; PubMed 21741353; PubMed 18551037; PubMed 20940534; PubMed 22162478.